The following is an entry in ClinVar:

ClinVar aggregate classification (germline): Pathogenic (1 of 4 stars; one submission).

Submission:

Labcorp Genetics (formerly Invitae), Labcorp
Classification: Pathogenic. Last evaluated: 2020-11-21. Review status: criteria provided, single submitter. Criteria: Invitae Variant Classification Sherloc (09022015). Collection method: clinical testing. Allele origin: germline.
Comment: For these reasons, this variant has been classified as Pathogenic. This variant has not been reported in the literature in individuals with CNGB1-related conditions. This variant is not present in population databases (ExAC no frequency). This sequence change creates a premature translational stop signal (p.Leu651Profs*81) in the CNGB1 gene. It is expected to result in an absent or disrupted protein product. Loss-of-function variants in CNGB1 are known to be pathogenic (PMID: 15557452, 24043777).

Literature cited by the submitters: PubMed 15557452; PubMed 24043777.

NM_001297.5(CNGB1):c.1951dup (p.Leu651fs)

Gene: CNGB1 (cyclic nucleotide gated channel subunit beta 1; minus strand). Cytogenetic location: 16q21.
Variant type: Duplication.
Coding change: c.1951dup on transcript NM_001297.5 (MANE Select); coding-DNA position 1951, one base duplicated (C; older notation c.1951dupC).
Protein change: p.Leu651fs; shifts the reading frame from leucine 651.
Molecular consequence: frameshift variant.
Genome position (GRCh38, 1-based): chr16:57,919,105, G duplicated on the plus strand (C on the coding strand, the reverse complement: CNGB1 is on the minus strand). VCF-style (leftmost placement, unchanged base first): chr16-57919104-A-AG. GRCh37 (hg19) VCF-style: chr16-57953008-A-AG.
Other names: c.1933dup, p.Leu645fs (NM_001286130.2); short protein forms L651fs, L645fs.
Identifiers: ClinVar variation 1379068 (VCV001379068.6), dbSNP rs2149365820, ClinGen allele CA2573152489.
Genomic context (GRCh38, chr16:57,919,104, plus strand): 5'-AACTCTCCTGCTCTCTCATCTTACACAGTGGGAACACCCATTCCCCAGGACTCACTGGTC[A>AG]GCGGGTCAATGCTCTGGGGAAACTGGTACTTCTTCCAGGGGCGGTGTTTGAACTTGCAGC-3'